The following is an entry in ClinVar:

ClinVar aggregate classification (germline): Pathogenic (1 of 4 stars; one submission).

Conditions:
Duchenne muscular dystrophy (DMD). Also called: MUSCULAR DYSTROPHY, PSEUDOHYPERTROPHIC PROGRESSIVE, DUCHENNE TYPE; Duchenne Muscular Dystrophy (DMD). Identifiers: Orphanet 98896, MedGen C0013264, MONDO:0010679, OMIM 310200.

Submission:

Laboratory of Medical Genetics, National & Kapodistrian University of Athens
Classification: Pathogenic for Duchenne muscular dystrophy. Last evaluated: 2022-12-16. Review status: criteria provided, single submitter. Criteria: ACMG Guidelines, 2015. Collection method: clinical testing. Allele origin: germline. Affected: yes.
Comment: PVS1, PM2, PP5

NM_004006.3(DMD):c.4363dup (p.Ser1455fs)

Gene: DMD (dystrophin; minus strand). Cytogenetic location: Xp21.1.
Variant type: Duplication.
Coding change: c.4363dup on transcript NM_004006.3 (MANE Select); coding-DNA position 4363, one base duplicated (T; older notation c.4363dupT).
Protein change: p.Ser1455fs; shifts the reading frame from serine 1455.
Molecular consequence: frameshift variant.
Genome position (GRCh38, 1-based): chrX:32,389,656, A duplicated on the plus strand (T on the coding strand, the reverse complement: DMD is on the minus strand). VCF-style (leftmost placement, unchanged base first): chrX-32389655-G-GA. GRCh37 (hg19) VCF-style: chrX-32407772-G-GA.
Other names: c.4339dup, p.Ser1447fs (NM_000109.4); c.4351dup, p.Ser1451fs (NM_004009.3); c.3994dup, p.Ser1332fs (NM_004010.3); c.340dup, p.Ser114fs (NM_004011.4); c.331dup, p.Ser111fs (NM_004012.4); short protein forms S111fs, S114fs, S1332fs, S1447fs, S1451fs, S1455fs.
Identifiers: ClinVar variation 1806417 (VCV001806417.1), dbSNP rs2523119063, ClinGen allele CA2580100732.